The following is an entry in ClinVar:

NM_182760.4(SUMF1):c.*949G>A

Gene: SUMF1 (sulfatase modifying factor 1; minus strand). Cytogenetic location: 3p26.1.
Variant type: single nucleotide variant.
Coding change: c.*949G>A on transcript NM_182760.4 (MANE Select); 949 bases downstream of the stop codon, G replaced by A.
Molecular consequence: 3 prime UTR variant.
Genome position (GRCh38, 1-based): chr3:4,361,195, C>T on the plus strand (G>A on the coding strand, the complement: SUMF1 is on the minus strand). VCF-style: chr3-4361195-C-T. GRCh37 (hg19) VCF-style: chr3-4402879-C-T.
Other names: c.*949G>A (NM_001164674.2, NM_001164675.2).
Identifiers: ClinVar variation 345287 (VCV000345287.5), dbSNP rs575414528, ClinGen allele CA10616411.
Genomic context (GRCh38, chr3:4,361,195, plus strand): 5'-TGACGGTGAAGCCTGATTTAGCAGATACGTTTATTCAACACAGTGCATGATTCAAAGCAT[C>T]GGATATTCCACAGCCAACAAGGTTTCCTATTCCCTATTACAAAATACCGGATACCCTGAA-3'

ClinVar aggregate classification (germline): Likely benign (1 of 4 stars; one submission).

Conditions:
Multiple sulfatase deficiency (MSD). Also called: Mucosulfatidosis; Multiple Sulfatase Deficiency Disease; Sulfatidosis, Juvenile, Austin Type. Identifiers: Orphanet 585, MedGen C0268263, MONDO:0010088, OMIM 272200.

Allele frequency attached by ClinVar (database versions not stated): TOPMed 0.00037; gnomAD 0.00038; 1000 Genomes Project 30x 0.00062; 1000 Genomes Project 0.00080.

Submission:

Illumina Laboratory Services, Illumina
Classification: Likely benign for Multiple sulfatase deficiency. Last evaluated: 2018-01-13. Review status: criteria provided, single submitter. Criteria: ICSL Variant Classification Criteria 13 December 2019. Collection method: clinical testing. Allele origin: germline.
Comment: This variant was observed in the ICSL laboratory as part of a predisposition screen in an ostensibly healthy population. It had not been previously curated by ICSL or reported in the Human Gene Mutation Database (HGMD: prior to June 1st, 2018), and was therefore a candidate for classification through an automated scoring system. Utilizing variant allele frequency, disease prevalence and penetrance estimates, and inheritance mode, an automated score was calculated to assess if this variant is too frequent to cause the disease. Based on the score and internal cut-off values, a variant classified as likely benign is not then subjected to further curation. The score for this variant resulted in a classification of likely benign for this disease.